The following is an entry in ClinVar:

NM_001308093.3(GATA4):c.1000+8A>G

Gene: GATA4 (GATA binding protein 4). Cytogenetic location: 8p23.1.
Variant type: single nucleotide variant.
Coding change: c.1000+8A>G on transcript NM_001308093.3 (MANE Select); 8 bases into the intron after coding-DNA position 1000, A replaced by G.
Molecular consequence: intron variant.
Genome position (GRCh38, 1-based): chr8:11,755,141, A>G. VCF-style: chr8-11755141-A-G. GRCh37 (hg19) VCF-style: chr8-11612650-A-G.
Other names: c.379+8A>G (NM_001308094.2, NM_001374273.1); c.997+8A>G (NM_002052.5, NM_002052.4); c.253+8A>G (NM_001374274.1).
Identifiers: ClinVar variation 412745 (VCV000412745.11), dbSNP rs368991642, ClinGen allele CA4630774.

ClinVar aggregate classification (germline): Likely benign. Review status: criteria provided, single submitter (1 of 4 stars). 2 submissions from 2 submitters: Likely benign (1). 1 of the submissions does not count toward it. Last evaluated 2025-12-22.

Conditions:
GATA4-related disorder. Also called: GATA4-related condition. Identifiers: MedGen CN860321.
Atrioventricular septal defect 4 (AVSD4). Identifiers: MedGen C3280781, MONDO:0013747, OMIM 614430.

Allele frequency attached by ClinVar (database versions not stated): gnomAD exomes 0.00001 and 0.00005; ExAC 0.00004; gnomAD 0.00015 and 0.00017; TOPMed 0.00019; ESP Exome Variant Server 0.00023.
gnomAD v4.1: 36 of 1,605,908 alleles (0.0022%); highest among the groups gnomAD compares: African/African-American, 0.045%; no homozygotes.

Submissions (2):

Labcorp Genetics (formerly Invitae), Labcorp
Classification: Likely benign for Atrioventricular septal defect 4. Last evaluated: 2025-12-22. Review status: criteria provided, single submitter. Criteria: Invitae Variant Classification Sherloc (09022015). Collection method: clinical testing. Allele origin: germline.

PreventionGenetics, part of Exact Sciences
Classification: Likely benign for GATA4-related condition. Last evaluated: 2019-12-03. Review status: no assertion criteria provided. Collection method: clinical testing. Allele origin: germline. Not counted in ClinVar's aggregate classification.
Comment: This variant is classified as likely benign based on ACMG/AMP sequence variant interpretation guidelines (Richards et al. 2015 PMID: 25741868, with internal and published modifications).